The following is an entry in ClinVar:

NM_020207.7(ERCC6L2):c.2771C>T (p.Pro924Leu)

Gene: ERCC6L2 (ERCC excision repair 6 like 2; plus strand). Cytogenetic location: 9q22.32.
Variant type: single nucleotide variant.
Coding change: c.2771C>T on transcript NM_020207.7 (MANE Select); coding-DNA position 2771, C replaced by T.
Protein change: p.Pro924Leu; replaces proline 924 with leucine.
Molecular consequence: missense variant. On other transcripts: non-coding transcript variant (1).
Genome position (GRCh38, 1-based): chr9:95,972,522, C>T. VCF-style: chr9-95972522-C-T. GRCh37 (hg19) VCF-style: chr9-98734804-C-T.
Other names: c.2771C>T, p.Pro924Leu (NM_001375291.1, NM_001375292.1, NM_001375293.1 and 1 more transcripts); short protein forms P924L.
Identifiers: ClinVar variation 2100241 (VCV002100241.4), dbSNP rs1223487175, ClinGen allele CA868838394.
Genomic context (GRCh38, chr9:95,972,522, plus strand): 5'-TCTGTCCTACACAATACACAACTGAGAGATTCCCCGACAATAGTATAAGGTTTAAGCCAC[C>T]CTTGGAAGGATCTGAGGATTCTGAAACAGAACACACTGTAAAAACAAGAAATAATGATAA-3'
Protein context (NP_064592.3, residues 914-934): FPDNSIRFKP[Pro924Leu]LEGSEDSETE

ClinVar aggregate classification (germline): Uncertain significance (1 of 4 stars; one submission).

Allele frequency attached by ClinVar (database versions not stated): gnomAD exomes below 0.00001; TOPMed below 0.00001; gnomAD 0.00001.
gnomAD v4.1: 3 of 1,289,652 alleles (0.00023%); highest among the groups gnomAD compares: Non-Finnish European, 0.0003%; no homozygotes.

Submission:

Labcorp Genetics (formerly Invitae), Labcorp
Classification: Uncertain significance. Last evaluated: 2022-07-27. Review status: criteria provided, single submitter. Criteria: Invitae Variant Classification Sherloc (09022015). Collection method: clinical testing. Allele origin: germline.
Comment: In summary, the available evidence is currently insufficient to determine the role of this variant in disease. Therefore, it has been classified as a Variant of Uncertain Significance. Algorithms developed to predict the effect of missense changes on protein structure and function are either unavailable or do not agree on the potential impact of this missense change (SIFT: "Tolerated"; PolyPhen-2: "Not Available"; Align-GVGD: "Class C0"). This sequence change replaces proline, which is neutral and non-polar, with leucine, which is neutral and non-polar, at codon 935 of the ERCC6L2 protein (p.Pro935Leu). This variant is not present in population databases (gnomAD no frequency). This variant has not been reported in the literature in individuals affected with ERCC6L2-related conditions.